The following is an entry in ClinVar:

NM_003722.5(TP63):c.1747G>T (p.Asp583Tyr)

Gene: TP63 (tumor protein p63; plus strand). Cytogenetic location: 3q28.
Variant type: single nucleotide variant.
Coding change: c.1747G>T on transcript NM_003722.5 (MANE Select); coding-DNA position 1747, G replaced by T.
Protein change: p.Asp583Tyr; replaces aspartic acid 583 with tyrosine.
Molecular consequence: missense variant.
Genome position (GRCh38, 1-based): chr3:189,894,206, G>T. VCF-style: chr3-189894206-G-T. GRCh37 (hg19) VCF-style: chr3-189611995-G-T.
Other names: c.1653G>T, p.Arg551Ser (NM_001114978.2); c.1465G>T, p.Asp489Tyr (NM_001114980.2); c.1371G>T, p.Arg457Ser (NM_001114981.2); c.1508G>T, p.Arg503Ile (NM_001329144.2); c.1226G>T, p.Arg409Ile (NM_001329145.2); c.1210G>T, p.Asp404Tyr (NM_001329146.2); c.1735G>T, p.Asp579Tyr (NM_001329148.2); c.1214G>T, p.Arg405Ile (NM_001329149.2); and 2 more; short protein forms D404Y, R551S, D489Y, R409I, R457S, R320I, R405I, R503I.
Identifiers: ClinVar variation 3720550 (VCV003720550.1).
Genomic context (GRCh38, chr3:189,894,206, plus strand): 5'-ACTAAATGTCCGTTTTTCTCCCTGTTTTCATTCTCCATGACACCTTCCCCTGTTGCACAG[G>T]ATCTGGCAAGTCTGAAAATCCCTGAGCAATTTCGACATGCGATCTGGAAGGGCATCCTGG-3'
Protein context (NP_003713.3, residues 573-593): IYQIEHYSMD[Asp583Tyr]LASLKIPEQF

ClinVar aggregate classification (germline): Uncertain significance (1 of 4 stars; one submission).

Conditions:
TP63-Related Spectrum Disorders.

Submission:

Labcorp Genetics (formerly Invitae), Labcorp
Classification: Uncertain significance. Last evaluated: 2021-12-28. Review status: criteria provided, single submitter. Criteria: Invitae Variant Classification Sherloc (09022015). Collection method: clinical testing. Allele origin: germline.
Comment: In summary, the available evidence is currently insufficient to determine the role of this variant in disease. Therefore, it has been classified as a Variant of Uncertain Significance. This variant disrupts the p.Asp583 amino acid residue in TP63. Other variant(s) that disrupt this residue have been observed in individuals with TP63-related conditions (PMID: 16976060), which suggests that this may be a clinically significant amino acid residue. Algorithms developed to predict the effect of sequence changes on RNA splicing suggest that this variant may disrupt the consensus splice site. Experimental studies have shown that this missense change affects TP63 function (PMID: 29339502). Algorithms developed to predict the effect of missense changes on protein structure and function are either unavailable or do not agree on the potential impact of this missense change (SIFT: "Deleterious"; PolyPhen-2: "Probably Damaging"; Align-GVGD: "Class C15"). This variant is also known as p.Asp544Tyr. This missense change has been observed in individual(s) with clinical features of ankyloblepharon-ectodermal defects-cleft lip/palate syndrome and/or ectodermal dysplasia (PMID: 19676060; Invitae). This variant is not present in population databases (gnomAD no frequency). This sequence change replaces aspartic acid, which is acidic and polar, with tyrosine, which is neutral and polar, at codon 583 of the TP63 protein (p.Asp583Tyr).

Literature cited by the submitters: PubMed 16976060; PubMed 29339502; PubMed 19676060.